The following is an entry in ClinVar:

ClinVar aggregate classification (germline): Pathogenic. Review status: criteria provided, multiple submitters, no conflicts (2 of 4 stars). 2 submissions from 2 submitters: Pathogenic (2). Last evaluated 2025-11-03.

Conditions:
Hereditary spastic paraplegia 4. Also called: Spastic Paraplegia 4; Familial spastic paraplegia autosomal dominant 2; Spastic paraplegia 4, autosomal dominant. Identifiers: Orphanet 100985, MedGen C1866855, MONDO:0008438, OMIM 182601.

Submissions (2):

Human Genetics Bochum, Ruhr University Bochum
Classification: Pathogenic for Hereditary spastic paraplegia 4. Last evaluated: 2025-11-03. Review status: criteria provided, single submitter. Criteria: ACMG Guidelines, 2015. Collection method: clinical testing. Allele origin: germline. Affected: yes.
Comment: ACMG criteria used to clasify this variant: PVS1, PS4_SUP, PM2_SUP

Labcorp Genetics (formerly Invitae), Labcorp
Classification: Pathogenic for Hereditary spastic paraplegia 4. Last evaluated: 2022-03-10. Review status: criteria provided, single submitter. Criteria: Invitae Variant Classification Sherloc (09022015). Collection method: clinical testing. Allele origin: germline.
Comment: For these reasons, this variant has been classified as Pathogenic. ClinVar contains an entry for this variant (Variation ID: 536451). This premature translational stop signal has been observed in individuals with autosomal dominant hereditary spastic paraplegia (PMID: 18664244). This variant is not present in population databases (gnomAD no frequency). This sequence change creates a premature translational stop signal (p.Gln525*) in the SPAST gene. It is expected to result in an absent or disrupted protein product. Loss-of-function variants in SPAST are known to be pathogenic (PMID: 20932283).

Literature cited by the submitters: PubMed 18664244 (cited by Human Genetics Bochum, Ruhr University Bochum and Labcorp Genetics (formerly Invitae), Labcorp); PubMed 20932283 (cited by Labcorp Genetics (formerly Invitae), Labcorp).

NM_014946.4(SPAST):c.1573C>T (p.Gln525Ter)

Gene: SPAST (spastin; plus strand). Cytogenetic location: 2p22.3.
Variant type: single nucleotide variant.
Coding change: c.1573C>T on transcript NM_014946.4 (MANE Select); coding-DNA position 1573, C replaced by T.
Protein change: p.Gln525Ter; replaces glutamine 525 with a stop codon.
Molecular consequence: nonsense.
Genome position (GRCh38, 1-based): chr2:32,143,372, C>T. VCF-style: chr2-32143372-C-T. GRCh37 (hg19) VCF-style: chr2-32368441-C-T.
Other names: c.1570C>T, p.Gln524Ter (NM_001363823.2); c.1474C>T, p.Gln492Ter (NM_001363875.2); c.1477C>T, p.Gln493Ter (NM_001377959.1, NM_199436.2); short protein forms Q525*, Q493*, Q524*, Q492*.
Identifiers: ClinVar variation 536451 (VCV000536451.11), dbSNP rs1553319296, ClinGen allele CA346503744.
Genomic context (GRCh38, chr2:32,143,372, plus strand): 5'-TGATCATTTTTTAATATTTTTCAGACAAGACTACTTTTGCTTAAAAATCTGTTATGTAAA[C>T]AAGGAAGTCCATTGACCCAAAAAGAACTAGCACAACTTGCTAGGTGAGTAATTTGGATTT-3'